The following is an entry in ClinVar:

ClinVar aggregate classification (germline): Uncertain significance. Review status: criteria provided, multiple submitters, no conflicts (2 of 4 stars). 2 submissions from 2 submitters: Uncertain significance (2). Last evaluated 2025-06-22.

Conditions:
Inborn genetic diseases. Identifiers: MedGen C0950123, MeSH D030342.

Allele frequency attached by ClinVar (database versions not stated): gnomAD exomes 0.00001; ExAC 0.00002.
gnomAD v4.1: 3 of 1,613,968 alleles (0.00019%); highest among the groups gnomAD compares: Admixed American, 0.0017%; no homozygotes.

Submissions (2):

Ambry Genetics
Classification: Uncertain significance for Inborn genetic diseases. Last evaluated: 2025-06-22. Review status: criteria provided, single submitter. Criteria: Ambry Variant Classification Scheme 2023. Collection method: clinical testing. Allele origin: germline.

Laboratory for Molecular Medicine, Mass General Brigham Personalized Medicine
Classification: Uncertain significance. Last evaluated: 2015-06-11. Review status: criteria provided, single submitter. Criteria: LMM Criteria. Collection method: clinical testing. Allele origin: germline. Observed: 1 variant allele.
Comment: The p.Pro3319Leu variant in USH2A has not been previously reported in individual s with hearing loss or Usher syndrome, but has been identified in 1/66704 of Eur opean chromosomes and 1/11500 Latino chromosomes by the Exome Aggregation Consor tium (ExAC). This variant is located in the last three bases of the exon, which is part of the 5? splice region. Computational t ools do not suggest an impact to splicing. However, this information is not pred ictive enough to rule out pathogenicity. In summary, the clinical significance o f the p.Pro3319Leu variant is uncertain.

NM_206933.4(USH2A):c.9956C>T (p.Pro3319Leu)

Gene: USH2A (usherin; minus strand). Cytogenetic location: 1q41.
Variant type: single nucleotide variant.
Coding change: c.9956C>T on transcript NM_206933.4 (MANE Select); coding-DNA position 9956, C replaced by T.
Protein change: p.Pro3319Leu; replaces proline 3319 with leucine.
Molecular consequence: missense variant.
Genome position (GRCh38, 1-based): chr1:215,798,909, G>A on the plus strand (C>T on the coding strand, the complement: USH2A is on the minus strand). VCF-style: chr1-215798909-G-A. GRCh37 (hg19) VCF-style: chr1-215972251-G-A.
Other names: short protein forms P3319L.
Identifiers: ClinVar variation 229630 (VCV000229630.6), dbSNP rs761386458, ClinGen allele CA1394174.